The following is an entry in ClinVar:

ClinVar aggregate classification (germline): Likely benign. Review status: criteria provided, multiple submitters, no conflicts (2 of 4 stars). 4 submissions from 4 submitters: Likely benign (3). 1 of the submissions does not count toward it. Last evaluated 2025-10-29.

Conditions:
Inborn genetic diseases. Identifiers: MedGen C0950123, MeSH D030342.
RTEL1-related disorder. Also called: RTEL1-related disorders; RTEL1-related condition.
Dyskeratosis congenita, autosomal recessive 5 (DKCB5). Identifiers: MedGen C3554656, MONDO:0014076, OMIM 615190.
Pulmonary fibrosis and/or bone marrow failure, Telomere-related, 3. Also called: PULMONARY FIBROSIS AND/OR BONE MARROW FAILURE SYNDROME, TELOMERE-RELATED, 3. Identifiers: Orphanet 2032, MedGen C4225346, MONDO:0014613, OMIM 616373.

Allele frequency attached by ClinVar (database versions not stated): TOPMed 0.00005; 1000 Genomes Project 0.00060; 1000 Genomes Project 30x 0.00062.
gnomAD v4.1: 39 of 1,612,640 alleles (0.0024%); highest among the groups gnomAD compares: East Asian, 0.047%; no homozygotes.

Submissions (4):

Labcorp Genetics (formerly Invitae), Labcorp
Classification: Likely benign for Dyskeratosis congenita, autosomal recessive 5; Pulmonary fibrosis and/or bone marrow failure, Telomere-related, 3. Last evaluated: 2025-10-29. Review status: criteria provided, single submitter. Criteria: Invitae Variant Classification Sherloc (09022015). Collection method: clinical testing. Allele origin: germline.

Ambry Genetics
Classification: Likely benign for Inborn genetic diseases. Last evaluated: 2024-11-18. Review status: criteria provided, single submitter. Criteria: Ambry Variant Classification Scheme 2023. Collection method: clinical testing. Allele origin: germline.

Blueprint Genetics
Classification: Likely benign. Last evaluated: 2024-09-14. Review status: criteria provided, single submitter. Criteria: ACMG Guidelines, 2015. Collection method: clinical testing. Allele origin: germline.

PreventionGenetics, part of Exact Sciences
Classification: Likely benign for RTEL1-related condition. Last evaluated: 2023-07-14. Review status: no assertion criteria provided. Collection method: clinical testing. Allele origin: germline. Not counted in ClinVar's aggregate classification.
Comment: This variant is classified as likely benign based on ACMG/AMP sequence variant interpretation guidelines (Richards et al. 2015 PMID: 25741868, with internal and published modifications).

NM_001283009.2(RTEL1):c.3286C>T (p.Leu1096=)

Genes: RTEL1 (regulator of telomere elongation helicase 1; plus strand), RTEL1-TNFRSF6B (RTEL1-TNFRSF6B readthrough (NMD candidate); plus strand). Cytogenetic location: 20q13.33.
Variant type: single nucleotide variant.
Coding change: c.3286C>T on transcript NM_001283009.2 (MANE Select); coding-DNA position 3286, C replaced by T.
Protein change: p.Leu1096=; no amino-acid change (leucine 1096 retained).
Molecular consequence: synonymous variant. On other transcripts: non-coding transcript variant (1).
Genome position (GRCh38, 1-based): chr20:63,694,917, C>T. VCF-style: chr20-63694917-C-T. GRCh37 (hg19) VCF-style: chr20-62326270-C-T.
Other names: c.3358C>T (NM_032957.4); c.2617C>T, p.Leu873= (NM_001283010.1); c.3286C>T, p.Leu1096= (NM_016434.4); c.3358C>T, p.Leu1120= (NM_032957.5).
Identifiers: ClinVar variation 779625 (VCV000779625.15), dbSNP rs547956753, ClinGen allele CA9965939.
Genomic context (GRCh38, chr20:63,694,917, plus strand): 5'-TGTAGCCAACTCTTGGCAGCGCTGACAGCCTATAAGCAAGACGACGACCTCGACAAGGTG[C>T]TGGCTGTGTTGGCCGCCCTGACCACTGCAAAGCCAGAGGACTTCCCCCTGCTGCACAGCA-3'
Protein context (NP_001269938.1, residues 1086-1106): YKQDDDLDKV[Leu1096=]AVLAALTTAK